The following is an entry in ClinVar:

ClinVar aggregate classification (germline): not provided (0 of 4 stars; one submission).

Conditions:
Familial long QT syndrome (RWS). Also called: Congenital long QT syndrome; Romano-Ward syndrome; VENTRICULAR FIBRILLATION WITH PROLONGED QT INTERVAL. Identifiers: Orphanet 768, MedGen C1141890, MONDO:0019171.

Submission:

Cardiovascular Biomedical Research Unit, Royal Brompton & Harefield NHS Foundation Trust
No classification provided. Condition: Familial long QT syndrome. Review status: no classification provided. Collection method: literature only. Allele origin: germline.
Comment: This variant has been reported as associated with Long QT syndrome in the following publications (PMID:19841298). This is a literature report, and does not necessarily reflect the clinical interpretation of the Imperial College / Royal Brompton Cardiovascular Genetics laboratory.

Literature cited by the submitters: PubMed 19841298; PubMed 22581653.

NM_000238.4(KCNH2):c.86T>C (p.Phe29Ser)

Gene: KCNH2 (potassium voltage-gated channel subfamily H member 2; minus strand). Cytogenetic location: 7q36.1.
Variant type: single nucleotide variant.
Coding change: c.86T>C on transcript NM_000238.4 (MANE Select); coding-DNA position 86, T replaced by C.
Protein change: p.Phe29Ser; replaces phenylalanine 29 with serine.
Molecular consequence: missense variant.
Genome position (GRCh38, 1-based): chr7:150,974,932, A>G on the plus strand (T>C on the coding strand, the complement: KCNH2 is on the minus strand). VCF-style: chr7-150974932-A-G. GRCh37 (hg19) VCF-style: chr7-150672020-A-G.
Other names: c.86T>C (LRG_288t1); c.86T>C, p.Phe29Ser (NM_172056.3); c.-92T>C (NM_001406755.1); short protein forms F29S.
Identifiers: ClinVar variation 67536 (VCV000067536.3), dbSNP rs199472831, ClinGen allele CA008920.